The following is an entry in ClinVar:

NM_020937.4(FANCM):c.4153G>T (p.Glu1385Ter)

Gene: FANCM (FA complementation group M; plus strand). Cytogenetic location: 14q21.2.
Variant type: single nucleotide variant.
Coding change: c.4153G>T on transcript NM_020937.4 (MANE Select); coding-DNA position 4153, G replaced by T.
Protein change: p.Glu1385Ter; replaces glutamic acid 1385 with a stop codon.
Molecular consequence: nonsense.
Genome position (GRCh38, 1-based): chr14:45,176,907, G>T. VCF-style: chr14-45176907-G-T. GRCh37 (hg19) VCF-style: chr14-45646110-G-T.
Other names: c.4075G>T, p.Glu1359Ter (NM_001308133.2); c.4153G>T (NM_020937.2); short protein forms E1359*, E1385*.
Identifiers: ClinVar variation 1072846 (VCV001072846.8), dbSNP rs776133776, ClinGen allele CA7169632.
Genomic context (GRCh38, chr14:45,176,907, plus strand): 5'-AAGGAAAAAGTAAACCTACAAAGATTCAAAGAAGCATTGAATTCAACTTTTGATTATTCA[G>T]AATTTTCTCTAGAAAAGTCTAAAAGCAGTGGTCCAATGTATCTGCATAAATCCTGTCATT-3'

ClinVar aggregate classification (germline): Pathogenic/Likely pathogenic. Review status: criteria provided, multiple submitters, no conflicts (2 of 4 stars). 2 submissions from 2 submitters: Pathogenic (1); Likely pathogenic (1). Last evaluated 2024-09-14.

Conditions:
Fanconi anemia (FA). Also called: Fanconi's anemia. Identifiers: Orphanet 84, MedGen C0015625, MeSH D005199, MONDO:0019391.

Allele frequency attached by ClinVar (database versions not stated): gnomAD exomes below 0.00001; TOPMed below 0.00001; ExAC 0.00001.
gnomAD v4.1: 8 of 1,611,850 alleles (0.0005%); highest among the groups gnomAD compares: South Asian, 0.0077%; no homozygotes.

Submissions (2):

Labcorp Genetics (formerly Invitae), Labcorp
Classification: Pathogenic for Fanconi anemia. Last evaluated: 2024-09-14. Review status: criteria provided, single submitter. Criteria: Invitae Variant Classification Sherloc (09022015). Collection method: clinical testing. Allele origin: germline.
Comment: This sequence change creates a premature translational stop signal (p.Glu1385*) in the FANCM gene. It is expected to result in an absent or disrupted protein product. Loss-of-function variants in FANCM are known to be pathogenic (PMID: 29895858, 30075111). This variant is present in population databases (rs776133776, gnomAD 0.003%). This variant has not been reported in the literature in individuals affected with FANCM-related conditions. ClinVar contains an entry for this variant (Variation ID: 1072846). Algorithms developed to predict the effect of sequence changes on RNA splicing suggest that this variant may create or strengthen a splice site. For these reasons, this variant has been classified as Pathogenic.

GeneDx
Classification: Likely pathogenic. Last evaluated: 2023-05-03. Review status: criteria provided, single submitter. Criteria: GeneDx Variant Classification Process June 2021. Collection method: clinical testing. Allele origin: germline. Affected: yes.
Comment: Nonsense variant predicted to result in protein truncation or nonsense mediated decay in a gene for which loss of function is a known mechanism of disease; Not observed at significant frequency in large population cohorts (gnomAD); Observed in an individual with breast cancer (Akbar et al., 2022); This variant is associated with the following publications: (PMID: 35710434)

Literature cited by the submitters: PubMed 29895858 (cited by Labcorp Genetics (formerly Invitae), Labcorp); PubMed 30075111 (cited by Labcorp Genetics (formerly Invitae), Labcorp).